The following is an entry in ClinVar:

ClinVar aggregate classification (germline): Uncertain significance (1 of 4 stars; one submission).

Allele frequency attached by ClinVar (database versions not stated): gnomAD exomes below 0.00001.
gnomAD v4.1: 2 of 1,536,036 alleles (0.00013%); highest among the groups gnomAD compares: Non-Finnish European, 0.00017%; no homozygotes.

Submission:

Labcorp Genetics (formerly Invitae), Labcorp
Classification: Uncertain significance. Last evaluated: 2023-12-11. Review status: criteria provided, single submitter. Criteria: Invitae Variant Classification Sherloc (09022015). Collection method: clinical testing. Allele origin: germline.
Comment: This sequence change replaces isoleucine, which is neutral and non-polar, with threonine, which is neutral and polar, at codon 619 of the PIEZO2 protein (p.Ile619Thr). This variant is not present in population databases (gnomAD no frequency). This variant has not been reported in the literature in individuals affected with PIEZO2-related conditions. Advanced modeling of protein sequence and biophysical properties (such as structural, functional, and spatial information, amino acid conservation, physicochemical variation, residue mobility, and thermodynamic stability) performed at Invitae indicates that this missense variant is not expected to disrupt PIEZO2 protein function with a negative predictive value of 80%. In summary, the available evidence is currently insufficient to determine the role of this variant in disease. Therefore, it has been classified as a Variant of Uncertain Significance.

NM_001378183.1(PIEZO2):c.1856T>C (p.Ile619Thr)

Gene: PIEZO2 (piezo type mechanosensitive ion channel component 2; minus strand). Cytogenetic location: 18p11.22.
Variant type: single nucleotide variant.
Coding change: c.1856T>C on transcript NM_001378183.1 (MANE Select); coding-DNA position 1856, T replaced by C.
Protein change: p.Ile619Thr; replaces isoleucine 619 with threonine.
Molecular consequence: missense variant.
Genome position (GRCh38, 1-based): chr18:10,791,227, A>G on the plus strand (T>C on the coding strand, the complement: PIEZO2 is on the minus strand). VCF-style: chr18-10791227-A-G. GRCh37 (hg19) VCF-style: chr18-10791225-A-G.
Other names: c.1856T>C, p.Ile619Thr (NM_001410871.1, NM_022068.4); short protein forms I619T.
Identifiers: ClinVar variation 2797261 (VCV002797261.3), dbSNP rs2510749047, ClinGen allele CA401922857.
Genomic context (GRCh38, chr18:10,791,227, plus strand): 5'-CAAACTCTCCAGCCACACATATACACTAATTTACCTTTTTCTTCATTTTCCTGACTGCCA[A>G]TTTTGACTTCCGATAAAAGAGCTTCCTTTTCTTGCAGAGCTTTTTGCTCTGTGAGGTGCT-3'
Protein context (NP_001365112.1, residues 609-629): EKEALLSEVK[Ile619Thr]GSQENEEKDE